The following is an entry in ClinVar:

ClinVar aggregate classification (germline): Uncertain significance (1 of 4 stars; one submission).

Conditions:
Ataxia-telangiectasia syndrome (AT). Also called: ATAXIA-TELANGIECTASIA, FRESNO VARIANT; Ataxia-telangiectasia, complementation group E; Ataxia telangiectasia (A-T); Cerebello-oculocutaneous telangiectasia; Immunodeficiency with ataxia telangiectasia; LOUIS-BAR SYNDROME. Identifiers: Orphanet 100, MedGen C0004135, MONDO:0008840, OMIM 208900.

Submission:

Labcorp Genetics (formerly Invitae), Labcorp
Classification: Uncertain significance for Ataxia-telangiectasia syndrome. Last evaluated: 2018-08-25. Review status: criteria provided, single submitter. Criteria: Invitae Variant Classification Sherloc (09022015). Collection method: clinical testing. Allele origin: germline.
Comment: Algorithms developed to predict the effect of missense changes on protein structure and function (SIFT, PolyPhen-2, Align-GVGD) all suggest that this variant is likely to be tolerated, but these predictions have not been confirmed by published functional studies and their clinical significance is uncertain. This variant has not been reported in the literature in individuals with ATM-related disease. This variant is not present in population databases (ExAC no frequency). This sequence change replaces leucine with valine at codon 165 of the ATM protein (p.Leu165Val). The leucine residue is weakly conserved and there is a small physicochemical difference between leucine and valine. Algorithms developed to predict the effect of sequence changes on RNA splicing suggest that this variant may create or strengthen a splice site, but this prediction has not been confirmed by published transcriptional studies. In summary, the available evidence is currently insufficient to determine the role of this variant in disease. Therefore, it has been classified as a Variant of Uncertain Significance.

NM_000051.4(ATM):c.493T>G (p.Leu165Val)

Gene: ATM (ATM serine/threonine kinase; plus strand). Cytogenetic location: 11q22.3.
Variant type: single nucleotide variant.
Coding change: c.493T>G on transcript NM_000051.4 (MANE Select); coding-DNA position 493, T replaced by G.
Protein change: p.Leu165Val; replaces leucine 165 with valine.
Molecular consequence: missense variant.
Genome position (GRCh38, 1-based): chr11:108,235,831, T>G. VCF-style: chr11-108235831-T-G. GRCh37 (hg19) VCF-style: chr11-108106558-T-G.
Other names: c.493T>G, p.Leu165Val (NM_001351834.2); short protein forms L165V.
Identifiers: ClinVar variation 646796 (VCV000646796.8), dbSNP rs878853514, ClinGen allele CA382525766.
Genomic context (GRCh38, chr11:108,235,831, plus strand): 5'-CTACTCAAAGACATTCTTTCTGTGAGAAAATACTGGTGTGAAATATCTCAGCAACAGTGG[T>G]TAGGTATGTTTTGAAGGTTGTTGTTTGTGAATTTTTCCTCATGAAATGAAACTTCACCAA-3'
Protein context (NP_000042.3, residues 155-175): YWCEISQQQW[Leu165Val]ELFSVYFRLY